The following is an entry in ClinVar:

ClinVar aggregate classification (germline): Uncertain significance. Review status: criteria provided, multiple submitters, no conflicts (2 of 4 stars). 2 submissions from 2 submitters: Uncertain significance (2). Last evaluated 2025-05-07.

Allele frequency attached by ClinVar (database versions not stated): gnomAD exomes below 0.00001 and 0.00001; gnomAD 0.00001; ExAC 0.00002; 1000 Genomes Project 30x 0.00016; 1000 Genomes Project 0.00020.
gnomAD v4.1: 8 of 1,613,672 alleles (0.0005%); highest among the groups gnomAD compares: South Asian, 0.0077%; no homozygotes.

Submissions (2):

Ambry Genetics
Classification: Uncertain significance. Last evaluated: 2025-05-07. Review status: criteria provided, single submitter. Criteria: Ambry Variant Classification Scheme 2023. Collection method: clinical testing. Allele origin: germline.

Labcorp Genetics (formerly Invitae), Labcorp
Classification: Uncertain significance. Last evaluated: 2024-05-15. Review status: criteria provided, single submitter. Criteria: Invitae Variant Classification Sherloc (09022015). Collection method: clinical testing. Allele origin: germline.
Comment: This sequence change replaces serine, which is neutral and polar, with cysteine, which is neutral and slightly polar, at codon 699 of the GEN1 protein (p.Ser699Cys). This variant is present in population databases (rs535044227, gnomAD 0.007%). This variant has not been reported in the literature in individuals affected with GEN1-related conditions. ClinVar contains an entry for this variant (Variation ID: 1013883). An algorithm developed to predict the effect of missense changes on protein structure and function (PolyPhen-2) suggests that this variant is likely to be disruptive. In summary, the available evidence is currently insufficient to determine the role of this variant in disease. Therefore, it has been classified as a Variant of Uncertain Significance.

NM_001130009.3(GEN1):c.2096C>G (p.Ser699Cys)

Gene: GEN1 (GEN1 structure-specific endonuclease; plus strand). Cytogenetic location: 2p24.2.
Variant type: single nucleotide variant.
Coding change: c.2096C>G on transcript NM_001130009.3 (MANE Select); coding-DNA position 2096, C replaced by G.
Protein change: p.Ser699Cys; replaces serine 699 with cysteine.
Molecular consequence: missense variant.
Genome position (GRCh38, 1-based): chr2:17,781,308, C>G. VCF-style: chr2-17781308-C-G. GRCh37 (hg19) VCF-style: chr2-17962575-C-G.
Other names: c.2096C>G, p.Ser699Cys (NM_182625.5); c.2096C>G (NM_001130009.1); short protein forms S699C.
Identifiers: ClinVar variation 1013883 (VCV001013883.11), dbSNP rs535044227, ClinGen allele CA1540894.